The following is an entry in ClinVar:

NM_018975.4(TERF2IP):c.923A>T (p.Gln308Leu)

Gene: TERF2IP (TERF2 interacting protein; plus strand). Cytogenetic location: 16q23.1.
Variant type: single nucleotide variant.
Coding change: c.923A>T on transcript NM_018975.4 (MANE Select); coding-DNA position 923, A replaced by T.
Protein change: p.Gln308Leu; replaces glutamine 308 with leucine.
Molecular consequence: missense variant. On other transcripts: non-coding transcript variant (1).
Genome position (GRCh38, 1-based): chr16:75,656,334, A>T. VCF-style: chr16-75656334-A-T. GRCh37 (hg19) VCF-style: chr16-75690232-A-T.
Other names: short protein forms Q308L.
Identifiers: ClinVar variation 3227213 (VCV003227213.1), dbSNP rs75183545, ClinGen allele CA396819884.
Genomic context (GRCh38, chr16:75,656,334, plus strand): 5'-AGGAAGACTCAGAAACACAGCCTGATGAGGAGGAAGAAGAAGAAGAAGAAAAAGTTTCTC[A>T]ACCAGAGGTGGGAGCTGCCATTAAGATCATTCGGCAGTTAATGGAGAAGTTTAACTTGGA-3'
Protein context (NP_061848.2, residues 298-318): EEEEEEEKVS[Gln308Leu]PEVGAAIKII

ClinVar aggregate classification (germline): Uncertain significance (1 of 4 stars; one submission).

Submission:

Ambry Genetics
Classification: Uncertain significance. Last evaluated: 2023-10-01. Review status: criteria provided, single submitter. Criteria: Ambry Variant Classification Scheme 2023. Collection method: clinical testing. Allele origin: germline.
Comment: The p.Q308L variant (also known as c.923A>T), located in coding exon 3 of the TERF2IP gene, results from an A to T substitution at nucleotide position 923. The glutamine at codon 308 is replaced by leucine, an amino acid with dissimilar properties. This amino acid position is conserved. In addition, this alteration is predicted to be tolerated by in silico analysis. Since supporting evidence is limited at this time, the clinical significance of this alteration remains unclear.